The following is an entry in ClinVar:

ClinVar aggregate classification (germline): Uncertain significance (1 of 4 stars; one submission).

Submission:

Labcorp Genetics (formerly Invitae), Labcorp
Classification: Uncertain significance. Last evaluated: 2024-08-31. Review status: criteria provided, single submitter. Criteria: Invitae Variant Classification Sherloc (09022015). Collection method: clinical testing. Allele origin: germline.
Comment: This sequence change replaces lysine, which is basic and polar, with asparagine, which is neutral and polar, at codon 1272 of the SPTBN1 protein (p.Lys1272Asn). This variant is not present in population databases (gnomAD no frequency). This variant has not been reported in the literature in individuals affected with SPTBN1-related conditions. Invitae Evidence Modeling of protein sequence and biophysical properties (such as structural, functional, and spatial information, amino acid conservation, physicochemical variation, residue mobility, and thermodynamic stability) indicates that this missense variant is not expected to disrupt SPTBN1 protein function with a negative predictive value of 80%. In summary, the available evidence is currently insufficient to determine the role of this variant in disease. Therefore, it has been classified as a Variant of Uncertain Significance.

NM_003128.3(SPTBN1):c.3816G>C (p.Lys1272Asn)

Gene: SPTBN1 (spectrin beta, non-erythrocytic 1; plus strand). Cytogenetic location: 2p16.2.
Variant type: single nucleotide variant.
Coding change: c.3816G>C on transcript NM_003128.3 (MANE Select); coding-DNA position 3816, G replaced by C.
Protein change: p.Lys1272Asn; replaces lysine 1272 with asparagine.
Molecular consequence: missense variant.
Genome position (GRCh38, 1-based): chr2:54,637,761, G>C. VCF-style: chr2-54637761-G-C. GRCh37 (hg19) VCF-style: chr2-54864898-G-C.
Other names: c.3777G>C, p.Lys1259Asn (NM_178313.3); short protein forms K1272N, K1259N.
Identifiers: ClinVar variation 3662771 (VCV003662771.2).